The following is an entry in ClinVar:

ClinVar aggregate classification (germline): Pathogenic. Review status: criteria provided, single submitter (1 of 4 stars). 2 submissions from 2 submitters: Pathogenic (1). 1 of the submissions does not count toward it. Last evaluated 2021-12-23.

Conditions:
Leber congenital amaurosis 8 (LCA8). Identifiers: Orphanet 65, MedGen C3151202, MONDO:0013453, OMIM 613835.
Retinitis pigmentosa 12 (RP12). Also called: RP WITH OR WITHOUT PPRPE; RP WITH OR WITHOUT PRESERVED PARAARTERIOLE RETINAL PIGMENT EPITHELIUM; RETINITIS PIGMENTOSA WITH OR WITHOUT PARAARTERIOLAR PRESERVATION OF RETINAL PIGMENT EPITHELIUM. Identifiers: Orphanet 791, MedGen C1838647, MONDO:0010818, OMIM 600105.

Submissions (2):

Labcorp Genetics (formerly Invitae), Labcorp
Classification: Pathogenic for Leber congenital amaurosis 8; Retinitis pigmentosa 12. Last evaluated: 2021-12-23. Review status: criteria provided, single submitter. Criteria: Invitae Variant Classification Sherloc (09022015). Collection method: clinical testing. Allele origin: germline.
Comment: For these reasons, this variant has been classified as Pathogenic. ClinVar contains an entry for this variant (Variation ID: 99899). This variant is also known as 3466G→T. This premature translational stop signal has been observed in individual(s) with Leber congenital amaurosis (PMID: 11389483). This variant is not present in population databases (gnomAD no frequency). This sequence change creates a premature translational stop signal (p.Glu1111*) in the CRB1 gene. It is expected to result in an absent or disrupted protein product. Loss-of-function variants in CRB1 are known to be pathogenic (PMID: 10508521, 22065545, 23379534, 25412400, 26957898, 28041643, 29391521).

Retina International
No classification provided. Review status: no classification provided. Collection method: not provided. Allele origin: not provided. Not counted in ClinVar's aggregate classification.

Literature cited by the submitters: PubMed 11389483 (cited by Labcorp Genetics (formerly Invitae), Labcorp); PubMed 10508521 (cited by Labcorp Genetics (formerly Invitae), Labcorp); PubMed 22065545 (cited by Labcorp Genetics (formerly Invitae), Labcorp); PubMed 23379534 (cited by Labcorp Genetics (formerly Invitae), Labcorp); PubMed 25412400 (cited by Labcorp Genetics (formerly Invitae), Labcorp); PubMed 26957898 (cited by Labcorp Genetics (formerly Invitae), Labcorp); PubMed 28041643 (cited by Labcorp Genetics (formerly Invitae), Labcorp); PubMed 29391521 (cited by Labcorp Genetics (formerly Invitae), Labcorp).

NM_201253.3(CRB1):c.3331G>T (p.Glu1111Ter)

Gene: CRB1 (crumbs cell polarity complex component 1; plus strand). Cytogenetic location: 1q31.3.
Variant type: single nucleotide variant.
Coding change: c.3331G>T on transcript NM_201253.3 (MANE Select); coding-DNA position 3331, G replaced by T.
Protein change: p.Glu1111Ter; replaces glutamic acid 1111 with a stop codon.
Molecular consequence: nonsense. On other transcripts: non-coding transcript variant (2), intron variant (1).
Genome position (GRCh38, 1-based): chr1:197,435,194, G>T. VCF-style: chr1-197435194-G-T. GRCh37 (hg19) VCF-style: chr1-197404324-G-T.
Other names: c.2995G>T, p.Glu999Ter (NM_001193640.2); c.3259G>T, p.Glu1087Ter (NM_001257965.2); c.2129-406G>T (NM_001257966.2); short protein forms E1111*, E1087*, E999*.
Identifiers: ClinVar variation 99899 (VCV000099899.5), dbSNP rs62636277, ClinGen allele CA228038.
Genomic context (GRCh38, chr1:197,435,194, plus strand): 5'-AAGGGCCTGCAAGGGTGTCTAAGTACAATAGAAATCGGAGGCATTTATCTCTCTTACTTT[G>T]AAAATGTTCATGGTTTCATTAATAAACCTCAGGAAGAGCAATTTCTCAAAATCTCTACCA-3'